The following is an entry in ClinVar:

NM_000138.5(FBN1):c.4244G>A (p.Cys1415Tyr)

Genes: FBN1 (fibrillin 1; minus strand), LOC126862124 (CDK7 strongly-dependent group 2 enhancer GRCh37_chr15:48764566-48765765; plus strand). Cytogenetic location: 15q21.1.
Variant type: single nucleotide variant.
Coding change: c.4244G>A on transcript NM_000138.5 (MANE Select); coding-DNA position 4244, G replaced by A.
Protein change: p.Cys1415Tyr; replaces cysteine 1415 with tyrosine.
Molecular consequence: missense variant.
Genome position (GRCh38, 1-based): chr15:48,472,643, C>T on the plus strand (G>A on the coding strand, the complement: FBN1 is on the minus strand). VCF-style: chr15-48472643-C-T. GRCh37 (hg19) VCF-style: chr15-48764840-C-T.
Other names: short protein forms C1415Y.
Identifiers: ClinVar variation 457206 (VCV000457206.9), dbSNP rs1555397556, ClinGen allele CA392317993.
Genomic context (GRCh38, chr15:48,472,643, plus strand): 5'-AAGCCCATGTCGCATTCACAGCGGTATCCTCCTGGTGCATTGAGGCACTGGCCATTGCCA[C>T]AGAGATTCAGGTTCTCAGAGCACTCATCAAGGTCTACAGCCAGAAAGAAACACACGTTAC-3'
Protein context (NP_000129.3, residues 1405-1425): LDECSENLNL[Cys1415Tyr]GNGQCLNAPG

ClinVar aggregate classification (germline): Likely pathogenic (1 of 4 stars; one submission).

Conditions:
Marfan syndrome (MFS). Also called: MARFAN SYNDROME, TYPE I; FBN1-Related Marfan Syndrome; Marfan syndrome type 1; Marfan's syndrome; Marfan syndrome, classic. Identifiers: Orphanet 284963, Orphanet 558, MedGen C0024796, MONDO:0007947, OMIM 154700.
Familial thoracic aortic aneurysm and aortic dissection (TAAD). Also called: Thoracic aortic aneurysms and dissections. Identifiers: Orphanet 91387, MedGen C4707243, MONDO:0019625.

Submission:

Labcorp Genetics (formerly Invitae), Labcorp
Classification: Likely pathogenic for Marfan syndrome; Familial thoracic aortic aneurysm and aortic dissection. Last evaluated: 2017-02-13. Review status: criteria provided, single submitter. Criteria: Invitae Variant Classification Sherloc (09022015). Collection method: clinical testing. Allele origin: germline.
Comment: In summary, this variant is a novel missense change affecting a residue crucial for protein stability and function. Although additional genetic data will be necessary to further confirm pathogenicity for this variant, cysteine substitutions located in FBN1 EGF-like domains are likely deleterious. For these reasons, this variant has been classified as Likely Pathogenic. This sequence change replaces cysteine with tyrosine at codon 1415 of the FBN1 protein (p.Cys1415Tyr). The cysteine residue is highly conserved and there is a large physicochemical difference between cysteine and tyrosine. This variant is not present in population databases (ExAC no frequency) and has not been reported in the literature in individuals with a FBN1-related disease. Algorithms developed to predict the effect of missense changes on protein structure and function (SIFT, PolyPhen-2, Align-GVGD) all suggest that this variant is likely to be disruptive, but these predictions have not been confirmed by published functional studies. This variant affects a cysteine residue located within an epidermal-growth-factor (EGF)–like domain of the FBN1 protein. Cysteine residues in these domains have been shown to be involved in the formation of disulfide bridges, which are critical for FBN1 protein structure and stability (PMID: 10486319, 3495735, 4750422, 16677079). In addition, missense substitutions within the FBN1 EGF-like domains affecting cysteine residues are significantly overrepresented among patients with Marfan syndrome (PMID: 16571647, 17701892).

Literature cited by the submitters: PubMed 10486319; PubMed 3495735; PubMed 4750422; PubMed 16677079; PubMed 16571647; PubMed 17701892.